The following is an entry in ClinVar:

NM_015338.6(ASXL1):c.2029C>T (p.Pro677Ser)

Gene: ASXL1 (ASXL transcriptional regulator 1; plus strand). Cytogenetic location: 20q11.21.
Variant type: single nucleotide variant.
Coding change: c.2029C>T on transcript NM_015338.6 (MANE Select); coding-DNA position 2029, C replaced by T.
Protein change: p.Pro677Ser; replaces proline 677 with serine.
Molecular consequence: missense variant.
Genome position (GRCh38, 1-based): chr20:32,434,741, C>T. VCF-style: chr20-32434741-C-T. GRCh37 (hg19) VCF-style: chr20-31022544-C-T.
Other names: c.1846C>T, p.Pro616Ser (NM_001363734.1); short protein forms P616S, P677S.
Identifiers: ClinVar variation 1701760 (VCV001701760.2), dbSNP rs2145361163, ClinGen allele CA408558813.
Genomic context (GRCh38, chr20:32,434,741, plus strand): 5'-GAGGGAGGTGGCAGAGGCAGCAGCAGTGGTGATGGTGGTGAGGCCTGTGGCCACCCTGAG[C>T]CCAGGGGAGGCCCGAGCACCCCTGGAAAGTGTACGTCAGATCTACAGCGAACACAACTAC-3'
Protein context (NP_056153.2, residues 667-687): DGGEACGHPE[Pro677Ser]RGGPSTPGKC

ClinVar aggregate classification (germline): Uncertain significance. Review status: criteria provided, multiple submitters, no conflicts (2 of 4 stars). 2 submissions from 2 submitters: Uncertain significance (2). Last evaluated 2024-12-28.

Conditions:
Bohring-Opitz syndrome. Also called: C-LIKE SYNDROME; BOHRING SYNDROME; OPITZ TRIGONOCEPHALY-LIKE SYNDROME; ASXL1-Related Bohring-Opitz Syndrome. Identifiers: Orphanet 97297, MedGen C0796232, MONDO:0011510, OMIM 605039.
Inborn genetic diseases. Identifiers: MedGen C0950123, MeSH D030342.

Submissions (2):

Ambry Genetics
Classification: Uncertain significance for Inborn genetic diseases. Last evaluated: 2024-12-28. Review status: criteria provided, single submitter. Criteria: Ambry Variant Classification Scheme 2023. Collection method: clinical testing. Allele origin: germline.
Comment: The p.P677S variant (also known as c.2029C>T), located in coding exon 13 of the ASXL1 gene, results from a C to T substitution at nucleotide position 2029. The proline at codon 677 is replaced by serine, an amino acid with similar properties. This amino acid position is conserved. In addition, this alteration is predicted to be tolerated by in silico analysis. Based on the available evidence, the clinical significance of this variant remains unclear.

New York Genome Center
Classification: Uncertain significance for Bohring-Opitz syndrome. Last evaluated: 2021-08-12. Review status: criteria provided, single submitter. Criteria: NYGC Assertion Criteria 2020. Collection method: clinical testing. Allele origin: germline. Observed: 1 heterozygote. Study: CSER-NYCKidSeq.